The following is an entry in ClinVar:

ClinVar aggregate classification (germline): Likely benign (1 of 4 stars; one submission).

Conditions:
Catecholaminergic polymorphic ventricular tachycardia (CVPT). Also called: Catecholamine-induced polymorphic ventricular tachycardia. Identifiers: Orphanet 3286, MedGen C5574922, MONDO:0017990.

Allele frequency attached by ClinVar (database versions not stated): gnomAD exomes below 0.00001.
gnomAD v4.1: 1 of 1,613,718 alleles (0.000062%); highest among the groups gnomAD compares: Non-Finnish European, 0.000085%; no homozygotes.

Submission:

All of Us Research Program, National Institutes of Health
Classification: Likely benign for Catecholaminergic polymorphic ventricular tachycardia. Last evaluated: 2023-05-30. Review status: criteria provided, single submitter. Criteria: ACMG Guidelines, 2015. Collection method: clinical testing. Allele origin: germline. Inheritance: Autosomal dominant inheritance. Observed: 1 variant allele, 1 heterozygote.
Comment: This study involves interpretation of variants in research participants for the purpose of population health screening. Participant phenotype was not available at the time of variant classification. Additional details can be found in publication PMID: 35346344, PMCID: PMC8962531

NM_001035.3(RYR2):c.14256A>G (p.Thr4752=)

Gene: RYR2 (ryanodine receptor 2; plus strand). Cytogenetic location: 1q43.
Variant type: single nucleotide variant.
Coding change: c.14256A>G on transcript NM_001035.3 (MANE Select); coding-DNA position 14256, A replaced by G.
Protein change: p.Thr4752=; no amino-acid change (threonine 4752 retained).
Molecular consequence: synonymous variant.
Genome position (GRCh38, 1-based): chr1:237,806,241, A>G. VCF-style: chr1-237806241-A-G. GRCh37 (hg19) VCF-style: chr1-237969541-A-G.
Identifiers: ClinVar variation 3071308 (VCV003071308.1), dbSNP rs1660620513, ClinGen allele CA424051651.
Genomic context (GRCh38, chr1:237,806,241, plus strand): 5'-ACACTATAACAACTTTTTTTTTGCCGCTCACCTTCTCGACATTGCTATGGGATTCAAGAC[A>G]TTAAGAACCATCTTGTCCTCAGTAACTCACAATGGCAAACAGGTAAACAGTTTATCTTTT-3'
Protein context (NP_001026.2, residues 4742-4762): HLLDIAMGFK[Thr4752=]LRTILSSVTH